The following is an entry in ClinVar:

NM_001286.5(CLCN6):c.18G>A (p.Gly6=)

Gene: CLCN6 (Cl-/H+ antiporter 6; plus strand). Cytogenetic location: 1p36.22.
Variant type: single nucleotide variant.
Coding change: c.18G>A on transcript NM_001286.5 (MANE Select); coding-DNA position 18, G replaced by A.
Protein change: p.Gly6=; no amino-acid change (glycine 6 retained).
Molecular consequence: synonymous variant. On other transcripts: non-coding transcript variant (1).
Genome position (GRCh38, 1-based): chr1:11,806,280, G>A. VCF-style: chr1-11806280-G-A. GRCh37 (hg19) VCF-style: chr1-11866337-G-A.
Other names: c.18G>A, p.Gly6= (NM_001256959.2).
Identifiers: ClinVar variation 1592229 (VCV001592229.30), dbSNP rs140859848, ClinGen allele CA595842.

ClinVar aggregate classification (germline): Likely benign. Review status: criteria provided, multiple submitters, no conflicts (2 of 4 stars). 2 submissions from 2 submitters: Likely benign (2). Last evaluated 2026-01-11.

Allele frequency attached by ClinVar (database versions not stated): ESP Exome Variant Server 0.00023; gnomAD 0.00026; gnomAD exomes 0.00028; ExAC 0.00034.
gnomAD v4.1: 299 of 1,497,616 alleles (0.02%); highest among the groups gnomAD compares: Non-Finnish European, 0.023%; 1 homozygote.

Submissions (2):

Labcorp Genetics (formerly Invitae), Labcorp
Classification: Likely benign. Last evaluated: 2026-01-11. Review status: criteria provided, single submitter. Criteria: Invitae Variant Classification Sherloc (09022015). Collection method: clinical testing. Allele origin: germline.

CeGaT Center for Human Genetics Tuebingen
Classification: Likely benign. Last evaluated: 2023-12-01. Review status: criteria provided, single submitter. Criteria: CeGaT Center For Human Genetics Tuebingen Variant Classification Criteria Version 2. Collection method: clinical testing. Allele origin: germline. Affected: yes. Observed: 1 variant allele.
Comment: CLCN6: BP4, BP7